The following is an entry in ClinVar:

NM_003336.4(UBE2A):c.125+2T>C

Gene: UBE2A (ubiquitin conjugating enzyme E2 A; plus strand). Cytogenetic location: Xq24.
Variant type: single nucleotide variant.
Coding change: c.125+2T>C on transcript NM_003336.4 (MANE Select); the canonical splice donor site of the intron after coding-DNA position 125, T replaced by C.
Molecular consequence: splice donor variant.
Genome position (GRCh38, 1-based): chrX:119,574,983, T>C. VCF-style: chrX-119574983-T-C. GRCh37 (hg19) VCF-style: chrX-118708946-T-C.
Other names: NC_000023.10:g.118708946T>C; c.125+2T>C (NM_181762.3); c.26+2T>C (NM_001282161.2).
Identifiers: ClinVar variation 452557 (VCV000452557.3), dbSNP rs1556235612, ClinGen allele CA414374230.

ClinVar aggregate classification (germline): Pathogenic (1 of 4 stars; one submission).

Submissions (2):

GeneDx
Classification: Pathogenic. Last evaluated: 2017-10-06. Review status: criteria provided, single submitter. Criteria: GeneDx Variant Classification (06012015). Collection method: clinical testing. Allele origin: germline. Affected: yes.
Comment: The c.125+2 T>C variant in the UBE2A gene has not been reported previously as a pathogenic variant nor as a benign variant, to our knowledge. This splice site variant destroys the canonical splice donor site in intron 2. It is predicted to cause abnormal gene splicing, either leading to an abnormal message that is subject to nonsense-mediated mRNA decay, or to an abnormal protein product if the message is used for protein translation. The c.125+2 T>C variant is not observed in large population cohorts (Lek et al., 2016).

Dr. Peter K. Rogan Lab, Western University
No classification provided (evidence only). Condition: Nonpapillary renal cell carcinoma. Review status: no classification provided. Collection method: in vitro. Allele origin: not applicable. Functional consequence: retained intron. Not counted in ClinVar's aggregate classification.